The following is an entry in ClinVar:

NM_005045.4(RELN):c.2531C>T (p.Pro844Leu)

Gene: RELN (reelin; minus strand). Cytogenetic location: 7q22.1.
Variant type: single nucleotide variant.
Coding change: c.2531C>T on transcript NM_005045.4 (MANE Select); coding-DNA position 2531, C replaced by T.
Protein change: p.Pro844Leu; replaces proline 844 with leucine.
Molecular consequence: missense variant.
Genome position (GRCh38, 1-based): chr7:103,630,111, G>A on the plus strand (C>T on the coding strand, the complement: RELN is on the minus strand). VCF-style: chr7-103630111-G-A. GRCh37 (hg19) VCF-style: chr7-103270558-G-A.
Other names: c.2531C>T, p.Pro844Leu (NM_173054.3); short protein forms P844L.
Identifiers: ClinVar variation 208483 (VCV000208483.5), dbSNP rs797045000, ClinGen allele CA347437.

ClinVar aggregate classification (germline): Uncertain significance. Review status: criteria provided, single submitter (1 of 4 stars). 2 submissions from 2 submitters: Uncertain significance (1). 1 of the submissions does not count toward it. Last evaluated 2023-01-19.

Conditions:
Familial temporal lobe epilepsy 7. Identifiers: Orphanet 101046, MedGen C4225327, MONDO:0014639, OMIM 616436.
Norman-Roberts syndrome (LIS2). Also called: Lissencephaly 2 (Norman-Roberts type). Identifiers: Orphanet 89844, MedGen C0796089, MONDO:0009760, OMIM 257320.

Submissions (2):

Labcorp Genetics (formerly Invitae), Labcorp
Classification: Uncertain significance for Familial temporal lobe epilepsy 7; Norman-Roberts syndrome. Last evaluated: 2023-01-19. Review status: criteria provided, single submitter. Criteria: Invitae Variant Classification Sherloc (09022015). Collection method: clinical testing. Allele origin: germline.
Comment: This sequence change replaces proline, which is neutral and non-polar, with leucine, which is neutral and non-polar, at codon 844 of the RELN protein (p.Pro844Leu). This variant is not present in population databases (gnomAD no frequency). This missense change has been observed in individual(s) with autosomal dominant lateral temporal lobe epilepsy (PMID: 26046367). It has also been observed to segregate with disease in related individuals. ClinVar contains an entry for this variant (Variation ID: 208483). Advanced modeling of protein sequence and biophysical properties (such as structural, functional, and spatial information, amino acid conservation, physicochemical variation, residue mobility, and thermodynamic stability) performed at Invitae indicates that this missense variant is not expected to disrupt RELN protein function. In summary, the available evidence is currently insufficient to determine the role of this variant in disease. Therefore, it has been classified as a Variant of Uncertain Significance.

GeneReviews
No classification provided. Condition: Familial temporal lobe epilepsy 7. Review status: no classification provided. Collection method: literature only. Allele origin: germline. Affected: yes. Not counted in ClinVar's aggregate classification.

Literature cited by the submitters: PubMed 26046367 (cited by Labcorp Genetics (formerly Invitae), Labcorp); NCBI Bookshelf NBK1537 (cited by GeneReviews).